The following is an entry in ClinVar:

NM_004360.5(CDH1):c.2473C>T (p.Pro825Ser)

Gene: CDH1 (cadherin 1; plus strand). Cytogenetic location: 16q22.1.
Variant type: single nucleotide variant.
Coding change: c.2473C>T on transcript NM_004360.5 (MANE Select); coding-DNA position 2473, C replaced by T.
Protein change: p.Pro825Ser; replaces proline 825 with serine.
Molecular consequence: missense variant.
Genome position (GRCh38, 1-based): chr16:68,833,323, C>T. VCF-style: chr16-68833323-C-T. GRCh37 (hg19) VCF-style: chr16-68867226-C-T.
Other names: c.2290C>T, p.Pro764Ser (NM_001317184.2); c.925C>T, p.Pro309Ser (NM_001317185.2); c.508C>T, p.Pro170Ser (NM_001317186.2); short protein forms P764S, P170S, P825S, P309S.
Identifiers: ClinVar variation 5033999 (VCV005033999.1).
Genomic context (GRCh38, chr16:68,833,323, plus strand): 5'-AAGATGCTTTTGTCCCTTCTTCTTTAGAATCTGAAAGCGGCTGATACTGACCCCACAGCC[C>T]CGCCTTATGATTCTCTGCTCGTGTTTGACTATGAAGGAAGCGGTTCCGAAGCTGCTAGTC-3'
Protein context (NP_004351.1, residues 815-835): LKAADTDPTA[Pro825Ser]PYDSLLVFDY

ClinVar aggregate classification (germline): Uncertain significance (1 of 4 stars; one submission).

Conditions:
Hereditary cancer-predisposing syndrome. Also called: Neoplastic Syndromes, Hereditary; Tumor predisposition; Hereditary neoplastic syndrome; Hereditary Cancer Syndrome. Identifiers: Orphanet 140162, MedGen C0027672, MeSH D009386, MONDO:0015356.

Submission:

Ambry Genetics
Classification: Uncertain significance for Hereditary cancer-predisposing syndrome. Last evaluated: 2026-07-09. Review status: criteria provided, single submitter. Criteria: Ambry Variant Classification Scheme 2023. Collection method: clinical testing. Allele origin: germline.
Comment: The p.P825S variant (also known as c.2473C>T), located in coding exon 16 of the CDH1 gene, results from a C to T substitution at nucleotide position 2473. The proline at codon 825 is replaced by serine, an amino acid with similar properties. This amino acid position is conserved. In addition, the in silico prediction for this alteration is inconclusive. Based on the available evidence, the clinical significance of this variant remains unclear.